The following is an entry in ClinVar:

ClinVar aggregate classification (germline): Uncertain significance. Review status: criteria provided, multiple submitters, no conflicts (2 of 4 stars). 2 submissions from 2 submitters: Uncertain significance (2). Last evaluated 2025-05-25.

Allele frequency attached by ClinVar (database versions not stated): gnomAD 0.00001; 1000 Genomes Project 0.00020; TOPMed 0.00002; 1000 Genomes Project 30x 0.00031.
gnomAD v4.1: 4 of 1,614,018 alleles (0.00025%); highest among the groups gnomAD compares: Admixed American, 0.005%; no homozygotes.

Submissions (2):

Ambry Genetics
Classification: Uncertain significance. Last evaluated: 2025-05-25. Review status: criteria provided, single submitter. Criteria: Ambry Variant Classification Scheme 2023. Collection method: clinical testing. Allele origin: germline.
Comment: The p.W719S variant (also known as c.2156G>C), located in coding exon 1 of the MLH3 gene, results from a G to C substitution at nucleotide position 2156. The tryptophan at codon 719 is replaced by serine, an amino acid with highly dissimilar properties. This amino acid position is not well conserved in available vertebrate species. In addition, this alteration is predicted to be tolerated by in silico analysis. Since supporting evidence is limited at this time, the clinical significance of this alteration remains unclear.

Center for Genomic Medicine, Rigshospitalet, Copenhagen University Hospital
Classification: Uncertain significance. Last evaluated: 2025-03-04. Review status: criteria provided, single submitter. Criteria: ACMG Guidelines, 2015. Collection method: clinical testing. Allele origin: germline.

NM_001040108.2(MLH3):c.2156G>C (p.Trp719Ser)

Gene: MLH3 (mutL homolog 3; minus strand). Cytogenetic location: 14q24.3.
Variant type: single nucleotide variant.
Coding change: c.2156G>C on transcript NM_001040108.2 (MANE Select); coding-DNA position 2156, G replaced by C.
Protein change: p.Trp719Ser; replaces tryptophan 719 with serine.
Molecular consequence: missense variant.
Genome position (GRCh38, 1-based): chr14:75,047,500, C>G on the plus strand (G>C on the coding strand, the complement: MLH3 is on the minus strand). VCF-style: chr14-75047500-C-G. GRCh37 (hg19) VCF-style: chr14-75514203-C-G.
Other names: c.2156G>C, p.Trp719Ser (NM_014381.3); short protein forms W719S.
Identifiers: ClinVar variation 1786822 (VCV001786822.6), dbSNP rs554858589, ClinGen allele CA7275751.